The following is an entry in ClinVar:

NM_020822.3(KCNT1):c.2137G>T (p.Val713Phe)

Gene: KCNT1 (potassium sodium-activated channel subfamily T member 1; plus strand). Cytogenetic location: 9q34.3.
Variant type: single nucleotide variant.
Coding change: c.2137G>T on transcript NM_020822.3 (MANE Select); coding-DNA position 2137, G replaced by T.
Protein change: p.Val713Phe; replaces valine 713 with phenylalanine.
Molecular consequence: missense variant.
Genome position (GRCh38, 1-based): chr9:135,772,843, G>T. VCF-style: chr9-135772843-G-T. GRCh37 (hg19) VCF-style: chr9-138664689-G-T.
Other names: c.2002G>T, p.Val668Phe (NM_001272003.2); short protein forms V668F, V713F.
Identifiers: ClinVar variation 1718889 (VCV001718889.7), dbSNP rs945869943, ClinGen allele CA375510764.

ClinVar aggregate classification (germline): Uncertain significance. Review status: criteria provided, multiple submitters, no conflicts (2 of 4 stars). 2 submissions from 2 submitters: Uncertain significance (2). Last evaluated 2024-10-29.

Conditions:
Developmental and epileptic encephalopathy, 14 (DEE14). Also called: Early infantile epileptic encephalopathy 14. Identifiers: Orphanet 293181, MedGen C3554195, MONDO:0013989, OMIM 614959.
Autosomal dominant nocturnal frontal lobe epilepsy 5. Also called: KCNT1-Related Epilepsy; Epilepsy, nocturnal frontal lobe, 5; CILIARY DYSKINESIA, PRIMARY, 28, WITHOUT SITUS INVERSUS; CILIARY DYSKINESIA, PRIMARY, 28, WITH SITUS INVERSUS. Identifiers: Orphanet 98784, MedGen C3554306, MONDO:0014002, OMIM 615005.

gnomAD v4.1: 1 of 1,542,644 alleles (0.000065%); highest among the groups gnomAD compares: Non-Finnish European, 0.000087%; no homozygotes.

Submissions (2):

Revvity Omics, Revvity
Classification: Uncertain significance. Last evaluated: 2024-10-29. Review status: criteria provided, single submitter. Criteria: ACMG Guidelines, 2015. Collection method: clinical testing. Allele origin: germline.

Labcorp Genetics (formerly Invitae), Labcorp
Classification: Uncertain significance for Autosomal dominant nocturnal frontal lobe epilepsy 5; Developmental and epileptic encephalopathy, 14. Last evaluated: 2022-09-06. Review status: criteria provided, single submitter. Criteria: Invitae Variant Classification Sherloc (09022015). Collection method: clinical testing. Allele origin: germline.
Comment: In summary, the available evidence is currently insufficient to determine the role of this variant in disease. Therefore, it has been classified as a Variant of Uncertain Significance. Advanced modeling of protein sequence and biophysical properties (such as structural, functional, and spatial information, amino acid conservation, physicochemical variation, residue mobility, and thermodynamic stability) performed at Invitae indicates that this missense variant is expected to disrupt KCNT1 protein function. This variant has not been reported in the literature in individuals affected with KCNT1-related conditions. This variant is not present in population databases (gnomAD no frequency). This sequence change replaces valine, which is neutral and non-polar, with phenylalanine, which is neutral and non-polar, at codon 713 of the KCNT1 protein (p.Val713Phe).